The following is an entry in ClinVar:

NM_006580.4(CLDN16):c.*1234A>C

Gene: CLDN16 (claudin 16; plus strand). Cytogenetic location: 3q28.
Variant type: single nucleotide variant.
Coding change: c.*1234A>C on transcript NM_006580.4 (MANE Select); 1234 bases downstream of the stop codon, A replaced by C.
Molecular consequence: 3 prime UTR variant.
Genome position (GRCh38, 1-based): chr3:190,411,270, A>C. VCF-style: chr3-190411270-A-C. GRCh37 (hg19) VCF-style: chr3-190129059-A-C.
Other names: c.*1234A>C (NM_001378492.1, NM_001378493.1).
Identifiers: ClinVar variation 899568 (VCV000899568.4), dbSNP rs144651280, ClinGen allele CA89768757.
Genomic context (GRCh38, chr3:190,411,270, plus strand): 5'-AGATCGCACCATTGCACTCCAGTCTGGCAACAGAGCGAGACTCCATCTCAAAAAACAAAA[A>C]TAAATAAATAAATAAATATTCTTCATAAAATGTGGGTTTTGGGGAAAATATAGAATTACA-3'

ClinVar aggregate classification (germline): Benign (1 of 4 stars; one submission).

Conditions:
Primary hypomagnesemia (HOMG3). Also called: HYPOMAGNESEMIA 3, RENAL; HYPOMAGNESEMIA, FAMILIAL, WITH HYPERCALCIURIA AND NEPHROCALCINOSIS; HYPOMAGNESEMIA, ISOLATED RENAL; HYPOMAGNESEMIA, PRIMARY, DUE TO DEFECT IN RENAL TUBULAR TRANSPORT OF MAGNESIUM. Identifiers: Orphanet 31043, MedGen C0268448, MONDO:0009550, OMIM 248250.

Allele frequency attached by ClinVar (database versions not stated): 1000 Genomes Project 30x 0.00500; 1000 Genomes Project 0.00539; gnomAD 0.00591 and 0.00638; TOPMed 0.00645.

Submission:

Illumina Laboratory Services, Illumina
Classification: Benign for Primary hypomagnesemia. Last evaluated: 2018-01-13. Review status: criteria provided, single submitter. Criteria: ICSL Variant Classification Criteria 13 December 2019. Collection method: clinical testing. Allele origin: germline.
Comment: This variant was observed in the ICSL laboratory as part of a predisposition screen in an ostensibly healthy population. It had not been previously curated by ICSL or reported in the Human Gene Mutation Database (HGMD: prior to June 1st, 2018), and was therefore a candidate for classification through an automated scoring system. Utilizing variant allele frequency, disease prevalence and penetrance estimates, and inheritance mode, an automated score was calculated to assess if this variant is too frequent to cause the disease. Based on the score and internal cut-off values, a variant classified as benign is not then subjected to further curation. The score for this variant resulted in a classification of benign for this disease.